The following is an entry in ClinVar:

ClinVar aggregate classification (germline): Uncertain significance. Review status: criteria provided, multiple submitters, no conflicts (2 of 4 stars). 2 submissions from 2 submitters: Uncertain significance (2). Last evaluated 2022-09-28.

Conditions:
Intellectual developmental disorder, autosomal dominant 1. Also called: Intellectual disability, autosomal dominant 1; MBD5 Haploinsufficiency. Identifiers: Orphanet 228402, MedGen C1969562, MONDO:0007974, OMIM 156200.

Allele frequency attached by ClinVar (database versions not stated): 1000 Genomes Project 0.00020; TOPMed below 0.00001; ExAC 0.00001; gnomAD 0.00001; 1000 Genomes Project 30x 0.00031.
gnomAD v4.1: 2 of 1,613,750 alleles (0.00012%); highest among the groups gnomAD compares: African/African-American, 0.0027%; no homozygotes.

Submissions (2):

Labcorp Genetics (formerly Invitae), Labcorp
Classification: Uncertain significance for Intellectual developmental disorder, autosomal dominant 1. Last evaluated: 2022-09-28. Review status: criteria provided, single submitter. Criteria: Invitae Variant Classification Sherloc (09022015). Collection method: clinical testing. Allele origin: germline.
Comment: In summary, the available evidence is currently insufficient to determine the role of this variant in disease. Therefore, it has been classified as a Variant of Uncertain Significance. Algorithms developed to predict the effect of missense changes on protein structure and function output the following: SIFT: "Tolerated"; PolyPhen-2: "Not Available"; Align-GVGD: "Class C0". The lysine amino acid residue is found in multiple mammalian species, which suggests that this missense change does not adversely affect protein function. This variant has not been reported in the literature in individuals affected with MBD5-related conditions. This variant is present in population databases (rs534850589, gnomAD 0.007%). This sequence change replaces arginine, which is basic and polar, with lysine, which is basic and polar, at codon 1483 of the MBD5 protein (p.Arg1483Lys).

GeneDx
Classification: Uncertain significance. Last evaluated: 2022-02-17. Review status: criteria provided, single submitter. Criteria: GeneDx Variant Classification Process June 2021. Collection method: clinical testing. Allele origin: germline. Affected: yes.
Comment: In silico analysis supports that this missense variant does not alter protein structure/function; Has not been previously published as pathogenic or benign to our knowledge

NM_001378120.1(MBD5):c.5147G>A (p.Arg1716Lys)

Gene: MBD5 (methyl-CpG binding domain protein 5; plus strand). Cytogenetic location: 2q23.1.
Variant type: single nucleotide variant.
Coding change: c.5147G>A on transcript NM_001378120.1 (MANE Select); coding-DNA position 5147, G replaced by A.
Protein change: p.Arg1716Lys; replaces arginine 1716 with lysine.
Molecular consequence: missense variant.
Genome position (GRCh38, 1-based): chr2:148,512,904, G>A. VCF-style: chr2-148512904-G-A. GRCh37 (hg19) VCF-style: chr2-149270473-G-A.
Other names: c.4448G>A, p.Arg1483Lys (NM_018328.5); short protein forms R1483K, R1716K.
Identifiers: ClinVar variation 1702607 (VCV001702607.7), dbSNP rs534850589, ClinGen allele CA1900560.